The following is an entry in ClinVar:

ClinVar aggregate classification (germline): Uncertain significance (1 of 4 stars; one submission).

Submission:

Ambry Genetics
Classification: Uncertain significance. Last evaluated: 2023-10-15. Review status: criteria provided, single submitter. Criteria: Ambry Variant Classification Scheme 2023. Collection method: clinical testing. Allele origin: germline.
Comment: The p.D1543V variant (also known as c.4628A>T), located in coding exon 16 of the POLQ gene, results from an A to T substitution at nucleotide position 4628. The aspartic acid at codon 1543 is replaced by valine, an amino acid with highly dissimilar properties. This amino acid position is conserved. In addition, this alteration is predicted to be tolerated by in silico analysis. Since supporting evidence is limited at this time, the clinical significance of this alteration remains unclear.

NM_199420.4(POLQ):c.4628A>T (p.Asp1543Val)

Gene: POLQ (DNA polymerase theta; minus strand). Cytogenetic location: 3q13.33.
Variant type: single nucleotide variant.
Coding change: c.4628A>T on transcript NM_199420.4 (MANE Select); coding-DNA position 4628, A replaced by T.
Protein change: p.Asp1543Val; replaces aspartic acid 1543 with valine.
Molecular consequence: missense variant.
Genome position (GRCh38, 1-based): chr3:121,488,303, T>A on the plus strand (A>T on the coding strand, the complement: POLQ is on the minus strand). VCF-style: chr3-121488303-T-A. GRCh37 (hg19) VCF-style: chr3-121207150-T-A.
Other names: short protein forms D1543V.
Identifiers: ClinVar variation 3230010 (VCV003230010.1), dbSNP rs2546785718, ClinGen allele CA354094392.